The following is an entry in ClinVar:

NM_000406.3(GNRHR):c.797T>G (p.Leu266Arg)

Gene: GNRHR (gonadotropin releasing hormone receptor; minus strand). Cytogenetic location: 4q13.2.
Variant type: single nucleotide variant.
Coding change: c.797T>G on transcript NM_000406.3 (MANE Select); coding-DNA position 797, T replaced by G.
Protein change: p.Leu266Arg; replaces leucine 266 with arginine.
Molecular consequence: missense variant. On other transcripts: synonymous variant (1).
Genome position (GRCh38, 1-based): chr4:67,740,670, A>C on the plus strand (T>G on the coding strand, the complement: GNRHR is on the minus strand). VCF-style: chr4-67740670-A-C. GRCh37 (hg19) VCF-style: chr4-68606388-A-C.
Other names: c.669T>G, p.Ser223= (NM_001012763.2); c.797T>G (NM_000406.2); short protein forms L266R.
Identifiers: ClinVar variation 1519153 (VCV001519153.11), dbSNP rs148499544, ClinGen allele CA2938853.

ClinVar aggregate classification (germline): Pathogenic/Likely pathogenic. Review status: criteria provided, multiple submitters, no conflicts (2 of 4 stars). 4 submissions from 4 submitters: Pathogenic (3); Likely pathogenic (1). Last evaluated 2024-10-21.

Conditions:
GNRHR-related disorders.
Hypogonadotropic hypogonadism 7 with or without anosmia (HH7). Also called: HYPOGONADOTROPIC HYPOGONADISM 7 WITHOUT ANOSMIA; GNRHR-Related GnRH Deficiency. Identifiers: Orphanet 432, MedGen C0342384, MONDO:0007794, OMIM 146110.

Allele frequency attached by ClinVar (database versions not stated): ExAC 0.00001; gnomAD exomes 0.00001; gnomAD 0.00005 and 0.00006; TOPMed 0.00007; ESP Exome Variant Server 0.00015.
gnomAD v4.1: 14 of 1,604,472 alleles (0.00087%); highest among the groups gnomAD compares: African/African-American, 0.016%; no homozygotes.

Submissions (4):

Labcorp Genetics (formerly Invitae), Labcorp
Classification: Pathogenic. Last evaluated: 2024-10-21. Review status: criteria provided, single submitter. Criteria: Invitae Variant Classification Sherloc (09022015). Collection method: clinical testing. Allele origin: germline.
Comment: This sequence change replaces leucine, which is neutral and non-polar, with arginine, which is basic and polar, at codon 266 of the GNRHR protein (p.Leu266Arg). This variant is present in population databases (rs148499544, gnomAD 0.02%). This missense change has been observed in individual(s) with hypogonadotropic hypogonadism (PMID: 11297587, 19449676, 22035731; internal data). In at least one individual the data is consistent with being in trans (on the opposite chromosome) from a pathogenic variant. ClinVar contains an entry for this variant (Variation ID: 1519153). Invitae Evidence Modeling of protein sequence and biophysical properties (such as structural, functional, and spatial information, amino acid conservation, physicochemical variation, residue mobility, and thermodynamic stability) indicates that this missense variant is expected to disrupt GNRHR protein function with a positive predictive value of 80%. Experimental studies have shown that this missense change affects GNRHR function (PMID: 12107234, 12890567). For these reasons, this variant has been classified as Pathogenic.

Blueprint Genetics
Classification: Pathogenic for GNRHR-related disorders. Last evaluated: 2024-07-06. Review status: criteria provided, single submitter. Criteria: ACMG Guidelines, 2015. Collection method: clinical testing. Allele origin: germline. Affected: yes. Observed: 2 variant alleles.

Women's Health and Genetics/Laboratory Corporation of America, LabCorp
Classification: Likely pathogenic for Hypogonadotropic hypogonadism 7 with or without anosmia. Last evaluated: 2023-05-18. Review status: criteria provided, single submitter. Criteria: LabCorp Variant Classification Summary - May 2015. Collection method: clinical testing. Allele origin: germline.
Comment: Variant summary: GNRHR c.797T>G (p.Leu266Arg) results in a non-conservative amino acid change located in the GPCR, rhodopsin-like, 7TM domain (IPR01452) of the encoded protein sequence. Five of five in-silico tools predict a damaging effect of the variant on protein function. The variant allele was found at a frequency of 8e-06 in 251154 control chromosomes (gnomAD). c.797T>G has been reported in the literature in individuals affected with Hypogonadotropic Hypogonadism (examples: Beranova_2001, Bhagavath_2005 Quintos_2009, Quaynor_2011, Gianetti_2012, Marcos_2014). These data indicate that the variant may be associated with disease. Multiple reports have provided experimental evidence that this variant impairs normal protein function (examples: Beranova_2001, Janovick_2002, Bedecarrats_2003). The following publications have been ascertained in the context of this evaluation (PMID: 12107234, 11297587, 12890567, 9449676, 22745237, 16213849, 22035731, 25077900). Two clinical diagnostic laboratories have submitted clinical-significance assessments for this variant to ClinVar after 2014 and classified the variant as pathogenic/likely pathogenic. Based on the evidence outlined above, the variant was classified as likely pathogenic.

Laboratorio de Genetica e Diagnostico Molecular, Hospital Israelita Albert Einstein
Classification: Pathogenic for Hypogonadotropic hypogonadism 7 with or without anosmia. Last evaluated: 2022-08-19. Review status: criteria provided, single submitter. Criteria: ACMG Guidelines, 2015. Collection method: clinical testing. Allele origin: germline. Affected: yes.
Comment: ACMG classification criteria: PS3 strong, PM2 supporting, PM3 strong, PP3 supporting

Literature cited by the submitters: PubMed 11297587 (cited by Labcorp Genetics (formerly Invitae), Labcorp and Women's Health and Genetics/Laboratory Corporation of America, LabCorp); PubMed 19449676 (cited by Labcorp Genetics (formerly Invitae), Labcorp); PubMed 22035731 (cited by Labcorp Genetics (formerly Invitae), Labcorp and Women's Health and Genetics/Laboratory Corporation of America, LabCorp); PubMed 12107234 (cited by Labcorp Genetics (formerly Invitae), Labcorp and Women's Health and Genetics/Laboratory Corporation of America, LabCorp); PubMed 12890567 (cited by Labcorp Genetics (formerly Invitae), Labcorp and Women's Health and Genetics/Laboratory Corporation of America, LabCorp); PubMed 25077900 (cited by Women's Health and Genetics/Laboratory Corporation of America, LabCorp); PubMed 16213849 (cited by Women's Health and Genetics/Laboratory Corporation of America, LabCorp); PubMed 22745237 (cited by Women's Health and Genetics/Laboratory Corporation of America, LabCorp); PubMed 9449676 (cited by Women's Health and Genetics/Laboratory Corporation of America, LabCorp).